The following is an entry in ClinVar:

ClinVar aggregate classification (germline): Pathogenic (1 of 4 stars; one submission).

Conditions:
Primary ciliary dyskinesia. Also called: Ciliary dyskinesia. Identifiers: Orphanet 244, MedGen C0008780, MONDO:0016575, HP:0012265.

Submission:

Labcorp Genetics (formerly Invitae), Labcorp
Classification: Pathogenic for Primary ciliary dyskinesia. Last evaluated: 2022-07-23. Review status: criteria provided, single submitter. Criteria: Invitae Variant Classification Sherloc (09022015). Collection method: clinical testing. Allele origin: germline.
Comment: This sequence change creates a premature translational stop signal (p.Glu577Phefs*3) in the RPGR gene. It is expected to result in an absent or disrupted protein product. Loss-of-function variants in RPGR are known to be pathogenic (PMID: 16055928, 16969763). This variant is not present in population databases (gnomAD no frequency). This variant has not been reported in the literature in individuals affected with RPGR-related conditions. For these reasons, this variant has been classified as Pathogenic.

Literature cited by the submitters: PubMed 16055928; PubMed 16969763.

NM_001034853.2(RPGR):c.1728_1735del (p.Glu577fs)

Gene: RPGR (retinitis pigmentosa GTPase regulator; minus strand). Cytogenetic location: Xp11.4.
Variant type: Deletion.
Coding change: c.1728_1735del on transcript NM_001034853.2 (MANE Select); coding-DNA positions 1728 to 1735, 8 bases deleted (CGAAGCAT; older notation c.1728_1735delCGAAGCAT).
Protein change: p.Glu577fs; shifts the reading frame from glutamic acid 577.
Molecular consequence: frameshift variant. On other transcripts: non-coding transcript variant (1), intron variant (5).
Genome position (GRCh38, 1-based): chrX:38,287,879-38,287,886, ATGCTTCG deleted on the plus strand (CGAAGCAT on the coding strand, the reverse complement: RPGR is on the minus strand); deleting any 8 consecutive bases within chrX:38,287,879-38,287,888 gives the same sequence; the c. name uses the placement nearest the transcript's 3' end. VCF-style (leftmost placement, unchanged base first): chrX-38287878-AATGCTTCG-A. GRCh37 (hg19) VCF-style: chrX-38147131-AATGCTTCG-A.
Other names: c.1728_1735del, p.Glu577fs (NM_000328.3); c.1725_1732del, p.Glu576fs (NM_001367245.1); c.1542_1549del, p.Glu515fs (NM_001367246.1); c.1569+3073_1569+3080del (NM_001367249.1, NM_001367250.1); c.1386+3073_1386+3080del (NM_001367251.1); c.1572+3073_1572+3080del (NM_001367247.1); c.1602+3073_1602+3080del (NM_001367248.1); short protein forms E515fs, E576fs, E577fs.
Identifiers: ClinVar variation 2019219 (VCV002019219.4), dbSNP rs2519798019, ClinGen allele CA2580100960.